The following is an entry in ClinVar:

NM_001104631.2(PDE4D):c.901A>C (p.Ser301Arg)

Gene: PDE4D (phosphodiesterase 4D; minus strand). Cytogenetic location: 5q11.2.
Variant type: single nucleotide variant.
Coding change: c.901A>C on transcript NM_001104631.2 (MANE Select); coding-DNA position 901, A replaced by C.
Protein change: p.Ser301Arg; replaces serine 301 with arginine.
Molecular consequence: missense variant. On other transcripts: 5 prime UTR variant (2).
Genome position (GRCh38, 1-based): chr5:59,038,879, T>G on the plus strand (A>C on the coding strand, the complement: PDE4D is on the minus strand). VCF-style: chr5-59038879-T-G. GRCh37 (hg19) VCF-style: chr5-58334706-T-G.
Other names: c.718A>C, p.Ser240Arg (NM_001165899.2, NM_001364599.1); c.709A>C, p.Ser237Arg (NM_001197218.2); c.535A>C, p.Ser179Arg (NM_001197219.2); c.511A>C, p.Ser171Arg (NM_001197220.2); c.-6A>C (NM_001197221.2, NM_001364603.1); c.229A>C, p.Ser77Arg (NM_001197222.2); c.688A>C, p.Ser230Arg (NM_001349241.2); c.571A>C, p.Ser191Arg (NM_001349242.2); and 2 more; short protein forms S301R, S45R, S179R, S191R, S237R, S77R, S165R, S171R.
Identifiers: ClinVar variation 4742889 (VCV004742889.1).

ClinVar aggregate classification (germline): Uncertain significance (1 of 4 stars; one submission).

Submission:

Labcorp Genetics (formerly Invitae), Labcorp
Classification: Uncertain significance. Last evaluated: 2025-07-15. Review status: criteria provided, single submitter. Criteria: Invitae Variant Classification Sherloc (09022015). Collection method: clinical testing. Allele origin: germline.
Comment: This sequence change replaces serine, which is neutral and polar, with arginine, which is basic and polar, at codon 301 of the PDE4D protein (p.Ser301Arg). This variant is not present in population databases (gnomAD no frequency). This variant has not been reported in the literature in individuals affected with PDE4D-related conditions. Invitae Evidence Modeling of protein sequence and biophysical properties (such as structural, functional, and spatial information, amino acid conservation, physicochemical variation, residue mobility, and thermodynamic stability) indicates that this missense variant is expected to disrupt PDE4D protein function with a positive predictive value of 80%. This variant disrupts the p.Ser301 amino acid residue in PDE4D. Other variant(s) that disrupt this residue have been observed in individuals with PDE4D-related conditions (PMID: 23033274, 30006632), which suggests that this may be a clinically significant amino acid residue. In summary, the available evidence is currently insufficient to determine the role of this variant in disease. Therefore, it has been classified as a Variant of Uncertain Significance.

Literature cited by the submitters: PubMed 23033274; PubMed 30006632.